The following is an entry in ClinVar:

NM_003000.3(SDHB):c.374C>T (p.Ser125Leu)

Gene: SDHB (succinate dehydrogenase complex iron sulfur subunit B; minus strand). Cytogenetic location: 1p36.13.
Variant type: single nucleotide variant.
Coding change: c.374C>T on transcript NM_003000.3 (MANE Select); coding-DNA position 374, C replaced by T.
Protein change: p.Ser125Leu; replaces serine 125 with leucine.
Molecular consequence: missense variant.
Genome position (GRCh38, 1-based): chr1:17,028,649, G>A on the plus strand (C>T on the coding strand, the complement: SDHB is on the minus strand). VCF-style: chr1-17028649-G-A. GRCh37 (hg19) VCF-style: chr1-17355144-G-A.
Other names: c.374C>T (NM_003000.2); short protein forms S125L.
Identifiers: ClinVar variation 1056499 (VCV001056499.6), dbSNP rs786203506, ClinGen allele CA338274404.

ClinVar aggregate classification (germline): Uncertain significance. Review status: criteria provided, multiple submitters, no conflicts (2 of 4 stars). 3 submissions from 3 submitters: Uncertain significance (3). Last evaluated 2025-10-20.

Conditions:
Pheochromocytoma. Also called: MAX-Related Hereditary Paraganglioma-Pheochromocytoma Syndrome. Identifiers: Orphanet 29072, MedGen C0031511, MONDO:0008233, OMIM 171300, HP:0002666.
Gastrointestinal stromal tumor. Also called: Gastrointestinal stromal tumor, somatic; Gastrointestinal stroma tumor. Identifiers: Orphanet 44890, MedGen C0238198, MeSH D046152, MONDO:0011719, OMIM 606764, HP:0100723.
Pheochromocytoma/paraganglioma syndrome 4. Also called: CAROTID BODY TUMORS AND MULTIPLE EXTRAADRENAL PHEOCHROMOCYTOMAS; SDHB-Related Hereditary Paraganglioma-Pheochromocytoma Syndrome (Paragangliomas 4); Paragangliomas 4; SDHB-Related Hereditary Paraganglioma-Pheochromocytoma Syndrome; PARAGANGLIOMA, FAMILIAL MALIGNANT; PARAGANGLIOMAS, HEREDITARY EXTRAADRENAL. Identifiers: Orphanet 29072, MedGen C1861848, MONDO:0007273, OMIM 115310.
Hereditary cancer-predisposing syndrome. Also called: Tumor predisposition; Neoplastic Syndromes, Hereditary; Hereditary neoplastic syndrome; Hereditary Cancer Syndrome. Identifiers: Orphanet 140162, MedGen C0027672, MeSH D009386, MONDO:0015356.

gnomAD v4.1: 3 of 1,614,154 alleles (0.00019%); highest among the groups gnomAD compares: Non-Finnish European, 0.00025%; no homozygotes.

Submissions (3):

Ambry Genetics
Classification: Uncertain significance for Hereditary cancer-predisposing syndrome. Last evaluated: 2025-10-20. Review status: criteria provided, single submitter. Criteria: Ambry Variant Classification Scheme 2023. Collection method: clinical testing. Allele origin: germline.
Comment: The p.S125L variant (also known as c.374C>T), located in coding exon 4 of the SDHB gene, results from a C to T substitution at nucleotide position 374. The serine at codon 125 is replaced by leucine, an amino acid with dissimilar properties. This amino acid position is not well conserved in available vertebrate species. In addition, this alteration is predicted to be deleterious by in silico analysis. Based on the available evidence, the clinical significance of this variant remains unclear.

Baylor Genetics
Classification: Uncertain significance for Gastrointestinal stromal tumor. Last evaluated: 2023-09-28. Review status: criteria provided, single submitter. Criteria: ACMG Guidelines, 2015. Collection method: clinical testing. Allele origin: unknown.

Labcorp Genetics (formerly Invitae), Labcorp
Classification: Uncertain significance for Gastrointestinal stromal tumor; Pheochromocytoma/paraganglioma syndrome 4; Pheochromocytoma. Last evaluated: 2022-10-05. Review status: criteria provided, single submitter. Criteria: Invitae Variant Classification Sherloc (09022015). Collection method: clinical testing. Allele origin: germline.
Comment: This sequence change replaces serine, which is neutral and polar, with leucine, which is neutral and non-polar, at codon 125 of the SDHB protein (p.Ser125Leu). This variant is not present in population databases (gnomAD no frequency). This variant has not been reported in the literature in individuals affected with SDHB-related conditions. ClinVar contains an entry for this variant (Variation ID: 1056499). Advanced modeling of protein sequence and biophysical properties (such as structural, functional, and spatial information, amino acid conservation, physicochemical variation, residue mobility, and thermodynamic stability) performed at Invitae indicates that this missense variant is not expected to disrupt SDHB protein function. In summary, the available evidence is currently insufficient to determine the role of this variant in disease. Therefore, it has been classified as a Variant of Uncertain Significance.